The following is an entry in ClinVar:

ClinVar aggregate classification (germline): Uncertain significance (1 of 4 stars; one submission).

Conditions:
Neuropathy, hereditary sensory and autonomic, type 2A (HSAN2A). Also called: ACROOSTEOLYSIS, GIACCAI TYPE; ACROOSTEOLYSIS, NEUROGENIC; MORVAN DISEASE; NEUROPATHY, CONGENITAL SENSORY; NEUROPATHY, HEREDITARY SENSORY RADICULAR, AUTOSOMAL RECESSIVE; NEUROPATHY, HEREDITARY SENSORY, TYPE IIA. Identifiers: Orphanet 970, MedGen C2752089, MONDO:0024309, OMIM 201300.
Pseudohypoaldosteronism type 2C (PHA2C). Also called: Pseudohypoaldosteronism Type IIC. Identifiers: Orphanet 757, Orphanet 88940, MedGen C1840391, MONDO:0013778, OMIM 614492.

gnomAD v4.1: 1 of 1,612,472 alleles (0.000062%); highest among the groups gnomAD compares: Non-Finnish European, 0.000085%; no homozygotes.

Submission:

Labcorp Genetics (formerly Invitae), Labcorp
Classification: Uncertain significance for Neuropathy, hereditary sensory and autonomic, type 2A; Pseudohypoaldosteronism type 2C. Last evaluated: 2021-08-23. Review status: criteria provided, single submitter. Criteria: Invitae Variant Classification Sherloc (09022015). Collection method: clinical testing. Allele origin: germline.
Comment: Advanced modeling of protein sequence and biophysical properties (such as structural, functional, and spatial information, amino acid conservation, physicochemical variation, residue mobility, and thermodynamic stability) performed at Invitae indicates that this missense variant is not expected to disrupt WNK1 protein function. In summary, the available evidence is currently insufficient to determine the role of this variant in disease. Therefore, it has been classified as a Variant of Uncertain Significance. This variant has not been reported in the literature in individuals affected with WNK1-related conditions. This sequence change replaces glycine with cysteine at codon 2280 of the WNK1 protein (p.Gly2280Cys). The glycine residue is highly conserved and there is a large physicochemical difference between glycine and cysteine. This variant is not present in population databases (ExAC no frequency).

NM_018979.4(WNK1):c.6082G>T (p.Gly2028Cys)

Gene: WNK1 (WNK lysine deficient protein kinase 1; plus strand). Cytogenetic location: 12p13.33.
Variant type: single nucleotide variant.
Coding change: c.6082G>T on transcript NM_018979.4 (MANE Select); coding-DNA position 6082, G replaced by T.
Protein change: p.Gly2028Cys; replaces glycine 2028 with cysteine.
Molecular consequence: missense variant.
Genome position (GRCh38, 1-based): chr12:896,569, G>T. VCF-style: chr12-896569-G-T. GRCh37 (hg19) VCF-style: chr12-1005735-G-T.
Other names: c.6862G>T, p.Gly2288Cys (NM_001184985.2); c.5338G>T, p.Gly1780Cys (NM_014823.3); c.6838G>T, p.Gly2280Cys (NM_213655.5); short protein forms G1780C, G2280C, G2028C, G2288C.
Identifiers: ClinVar variation 1402338 (VCV001402338.6), dbSNP rs1440972534, ClinGen allele CA383336430.
Genomic context (GRCh38, chr12:896,569, plus strand): 5'-AATGGGCCGTCTTCTGACCCGGAGGCCGCTTTTTTAAGTAGGGATGTGGATGATGGTTCC[G>T]GTAGTCCACACTCGCCCCATCAGCTGAGCTCAAAGAGCCTTCCTAGCCAGAATCTAAGTC-3'
Protein context (NP_061852.3, residues 2018-2038): FLSRDVDDGS[Gly2028Cys]SPHSPHQLSS